The following is an entry in ClinVar:

ClinVar aggregate classification (germline): Pathogenic. Review status: criteria provided, multiple submitters, no conflicts (2 of 4 stars). 3 submissions from 3 submitters: Pathogenic (3). Last evaluated 2024-02-26.

Conditions:
Familial hypokalemia-hypomagnesemia (GTLMNS). Also called: HYPOMAGNESEMIA-HYPOKALEMIA, PRIMARY RENOTUBULAR, WITH HYPOCALCIURIA; POTASSIUM AND MAGNESIUM DEPLETION; gitelman syndrome. Identifiers: Orphanet 358, MedGen C0268450, MONDO:0009904, OMIM 263800.

Submissions (3):

Fulgent Genetics
Classification: Pathogenic for Familial hypokalemia-hypomagnesemia. Last evaluated: 2024-02-26. Review status: criteria provided, single submitter. Criteria: ACMG Guidelines, 2015. Collection method: clinical testing. Allele origin: germline.

Natera, Inc.
Classification: Pathogenic for Gitelman syndrome. Last evaluated: 2024-02-21. Review status: criteria provided, single submitter. Criteria: Natera Variant Classification Schema (03/2026). Collection method: clinical testing. Allele origin: germline.
Comment: The c.1670-1G>T variant in SLC12A3 is a canonical splice acceptor site variant predicted to affect pre-mRNA splicing, which may result in an abnormal transcript and altered protein product. This variant is expected to result in nonsense mediated decay, truncation, or a dysfunctional protein product. This variant is rare in the general population with a frequency below the threshold expected for the associated phenotype(s). This variant has been observed in one or more individuals affected with the associated recessive disease, as either homozygous or compound heterozygous with a second variant (PMID: 30596175). Functional studies show that this variant may disrupt protein function (PMID: 18501801, 17414160). Given the available evidence, this variant is classified as Pathogenic.

Labcorp Genetics (formerly Invitae), Labcorp
Classification: Pathogenic. Last evaluated: 2023-06-21. Review status: criteria provided, single submitter. Criteria: Invitae Variant Classification Sherloc (09022015). Collection method: clinical testing. Allele origin: germline.
Comment: This variant is not present in population databases (gnomAD no frequency). Disruption of this splice site has been observed in individual(s) with Gitelman syndrome (PMID: 15481849, 17414160, 30596175). In at least one individual the data is consistent with being in trans (on the opposite chromosome) from a pathogenic variant. Studies have shown that disruption of this splice site results in skipping of exon 14, but is expected to preserve the integrity of the reading-frame (PMID: 17414160). For these reasons, this variant has been classified as Pathogenic. This sequence change affects an acceptor splice site in intron 13 of the SLC12A3 gene. RNA analysis indicates that disruption of this splice site induces altered splicing and likely results in a shortened protein product.

Literature cited by the submitters: PubMed 30596175 (cited by Natera, Inc. and Labcorp Genetics (formerly Invitae), Labcorp); PubMed 18501801 (cited by Natera, Inc.); PubMed 17414160 (cited by Natera, Inc. and Labcorp Genetics (formerly Invitae), Labcorp); PubMed 15481849 (cited by Labcorp Genetics (formerly Invitae), Labcorp).

NM_001126108.2(SLC12A3):c.1670-1G>T

Gene: SLC12A3 (solute carrier family 12 member 3; plus strand). Cytogenetic location: 16q13.
Variant type: single nucleotide variant.
Coding change: c.1670-1G>T on transcript NM_001126108.2 (MANE Select); the canonical splice acceptor site of the intron before coding-DNA position 1670, G replaced by T.
Molecular consequence: splice acceptor variant.
Genome position (GRCh38, 1-based): chr16:56,884,048, G>T. VCF-style: chr16-56884048-G-T. GRCh37 (hg19) VCF-style: chr16-56917960-G-T.
Other names: c.1670-1G>T (NM_000339.2, NM_000339.3); c.1667-1G>T (NM_001126107.2, NM_001410896.1).
Identifiers: ClinVar variation 2736351 (VCV002736351.5), dbSNP rs2055276585, ClinGen allele CA395990236.
Genomic context (GRCh38, chr16:56,884,048, plus strand): 5'-CTCTGGCCTAGAAAGAGGCTCGACTGCCAGGCATGCCCACTGACTGGTGCCCTTGGCCCA[G>T]GGTGGAGACCTTCATTCCAATACTACAACAAGTGGGCGGCGCTGTTTGGGGCTATCATCT-3'